The following is an entry in ClinVar:

NM_000092.5(COL4A4):c.3974G>A (p.Gly1325Glu)

Gene: COL4A4 (collagen type IV alpha 4 chain; minus strand). Cytogenetic location: 2q36.3.
Variant type: single nucleotide variant.
Coding change: c.3974G>A on transcript NM_000092.5 (MANE Select); coding-DNA position 3974, G replaced by A.
Protein change: p.Gly1325Glu; replaces glycine 1325 with glutamic acid.
Molecular consequence: missense variant.
Genome position (GRCh38, 1-based): chr2:227,028,009, C>T on the plus strand (G>A on the coding strand, the complement: COL4A4 is on the minus strand). VCF-style: chr2-227028009-C-T. GRCh37 (hg19) VCF-style: chr2-227892725-C-T.
Other names: short protein forms G1325E.
Identifiers: ClinVar variation 2120651 (VCV002120651.4), dbSNP rs2473193214, ClinGen allele CA350837144.
Genomic context (GRCh38, chr2:227,028,009, plus strand): 5'-TTCTCTCCAGGTGGCCCAGGAAATCCATGTGGTCCCTGCGGTCCCGGGAATCCCACTGGT[C>T]CTTAAAAAAAAACAAAACATAAAAATGAGGGCACTGGAATGAGACAAGATAAAAACAATG-3'
Protein context (NP_000083.3, residues 1315-1335): PGCDGKDGQK[Gly1325Glu]PVGFPGPQGP

ClinVar aggregate classification (germline): Uncertain significance (1 of 4 stars; one submission).

Submission:

Labcorp Genetics (formerly Invitae), Labcorp
Classification: Uncertain significance. Last evaluated: 2022-05-13. Review status: criteria provided, single submitter. Criteria: Invitae Variant Classification Sherloc (09022015). Collection method: clinical testing. Allele origin: germline.
Comment: In summary, the available evidence is currently insufficient to determine the role of this variant in disease. Therefore, it has been classified as a Variant of Uncertain Significance. Algorithms developed to predict the effect of missense changes on protein structure and function are either unavailable or do not agree on the potential impact of this missense change (SIFT: "Deleterious"; PolyPhen-2: "Not Available"; Align-GVGD: "Class C0"). This variant has not been reported in the literature in individuals affected with COL4A4-related conditions. This variant is not present in population databases (gnomAD no frequency). This sequence change replaces glycine, which is neutral and non-polar, with glutamic acid, which is acidic and polar, at codon 1325 of the COL4A4 protein (p.Gly1325Glu).